The following is an entry in ClinVar:

ClinVar aggregate classification (germline): Benign (0 of 4 stars; one submission).

Conditions:
TTC14-related disorder. Also called: TTC14-related condition.

Allele frequency attached by ClinVar (database versions not stated): gnomAD exomes 0.00017; ExAC 0.00087; gnomAD 0.00253; 1000 Genomes Project 0.00280; 1000 Genomes Project 30x 0.00297; TOPMed 0.00312; ESP Exome Variant Server 0.00331.
gnomAD v4.1: 663 of 1,570,098 alleles (0.042%); highest among the groups gnomAD compares: African/African-American, 0.8%; 7 homozygotes.

Submission:

PreventionGenetics, part of Exact Sciences
Classification: Benign for TTC14-related condition. Last evaluated: 2019-07-12. Review status: no assertion criteria provided. Collection method: clinical testing. Allele origin: germline.
Comment: This variant is classified as benign based on ACMG/AMP sequence variant interpretation guidelines (Richards et al. 2015 PMID: 25741868, with internal and published modifications).

NM_133462.4(TTC14):c.888T>C (p.Ser296=)

Gene: TTC14 (tetratricopeptide repeat domain 14; plus strand). Cytogenetic location: 3q26.33.
Variant type: single nucleotide variant.
Coding change: c.888T>C on transcript NM_133462.4 (MANE Select); coding-DNA position 888, T replaced by C.
Protein change: p.Ser296=; no amino-acid change (serine 296 retained).
Molecular consequence: synonymous variant.
Genome position (GRCh38, 1-based): chr3:180,605,796, T>C. VCF-style: chr3-180605796-T-C. GRCh37 (hg19) VCF-style: chr3-180323584-T-C.
Other names: c.888T>C, p.Ser296= (NM_001042601.3, NM_001288582.2).
Identifiers: ClinVar variation 3050662 (VCV003050662.2), dbSNP rs147383777, ClinGen allele CA2715222.